The following is an entry in ClinVar:

ClinVar aggregate classification (germline): Uncertain significance (1 of 4 stars; one submission).

Submission:

Labcorp Genetics (formerly Invitae), Labcorp
Classification: Uncertain significance. Last evaluated: 2024-08-08. Review status: criteria provided, single submitter. Criteria: Invitae Variant Classification Sherloc (09022015). Collection method: clinical testing. Allele origin: germline.
Comment: This sequence change creates a premature translational stop signal (p.Lys49Argfs*22) in the WNK4 gene. It is expected to result in an absent or disrupted protein product. However, the current clinical and genetic evidence is not sufficient to establish whether loss-of-function variants in WNK4 cause disease. This variant is not present in population databases (gnomAD no frequency). This variant has not been reported in the literature in individuals affected with WNK4-related conditions. In summary, the available evidence is currently insufficient to determine the role of this variant in disease. Therefore, it has been classified as a Variant of Uncertain Significance.

NM_032387.5(WNK4):c.144del (p.Lys49fs)

Gene: WNK4 (WNK lysine deficient protein kinase 4; plus strand). Cytogenetic location: 17q21.2.
Variant type: Deletion.
Coding change: c.144del on transcript NM_032387.5 (MANE Select); coding-DNA position 144, one base deleted (G; older notation c.144delG).
Protein change: p.Lys49fs; shifts the reading frame from lysine 49.
Molecular consequence: frameshift variant. On other transcripts: 5 prime UTR variant (1).
Genome position (GRCh38, 1-based): chr17:42,780,842, G deleted; the last of 3 consecutive G bases (chr17:42,780,840-42,780,842); deleting any one gives the same sequence. VCF-style (leftmost placement, unchanged base first): chr17-42780839-CG-C. GRCh37 (hg19) VCF-style: chr17-40932857-CG-C.
Other names: c.-776del (NM_001321299.2); short protein forms K49fs.
Identifiers: ClinVar variation 3647354 (VCV003647354.2).